The following is an entry in ClinVar:

ClinVar aggregate classification (germline): Uncertain significance. Review status: criteria provided, multiple submitters, no conflicts (2 of 4 stars). 2 submissions from 2 submitters: Uncertain significance (2). Last evaluated 2026-08-06.

Submissions (2):

OLLIN Analises Genomicas, OLLIN
Classification: Uncertain significance. Last evaluated: 2026-08-06. Review status: criteria provided, single submitter. Criteria: ACMG Guidelines 2015 PMID 25741868. Collection method: clinical testing. Allele origin: germline.
Comment: This in-frame deletion, located in exon 29 (of 36), has been reported in ClinVar (accession VCV002084749.4) and in gnomAD with an allele frequency of 0.00087%. However, to our knowledge, it has not been reported in the scientific literature. This variant removes 1 amino acid, preserving the reading frame and leading to a reduced protein length. According to the currently available evidence, this variant has been classified as uncertain significance (PM4).

Labcorp Genetics (formerly Invitae), Labcorp
Classification: Uncertain significance. Last evaluated: 2025-10-27. Review status: criteria provided, single submitter. Criteria: Invitae Variant Classification Sherloc (09022015). Collection method: clinical testing. Allele origin: germline.
Comment: This variant, c.3907_3909del, results in the deletion of 1 amino acid(s) of the TOP2B protein (p.Lys1303del), but otherwise preserves the integrity of the reading frame. This variant is present in population databases (rs781031811, gnomAD 0.003%). This variant has not been reported in the literature in individuals affected with TOP2B-related conditions. Experimental studies and prediction algorithms are not available or were not evaluated, and the functional significance of this variant is currently unknown. In summary, the available evidence is currently insufficient to determine the role of this variant in disease. Therefore, it has been classified as a Variant of Uncertain Significance.

NM_001330700.2(TOP2B):c.3919AAG[1] (p.Lys1308del)

Gene: TOP2B (DNA topoisomerase II beta; minus strand). Cytogenetic location: 3p24.2.
Variant type: Microsatellite.
Coding change: c.3919AAG[1] on transcript NM_001330700.2 (MANE Select); one copy of the 3-base unit AAG starting at c.3919; the reference has two copies in a row; one copy, 3 bases deleted.
Protein change: p.Lys1308del; deletes lysine 1308.
Molecular consequence: inframe deletion.
Genome position (GRCh38, 1-based): chr3:25,609,575-25,609,577, CTT deleted on the plus strand (AAG on the coding strand, the reverse complement: TOP2B is on the minus strand); deleting any 3 consecutive bases within chr3:25,609,575-25,609,582 gives the same sequence; the position shown is the placement nearest the transcript's 3' end. VCF-style (leftmost placement, unchanged base first): chr3-25609574-CCTT-C. GRCh37 (hg19) VCF-style: chr3-25651065-CCTT-C.
Other names: c.3904AAG[1], p.Lys1303del (NM_001068.3); short protein forms K1303del, K1308del.
Identifiers: ClinVar variation 2084749 (VCV002084749.5), dbSNP rs781031811, ClinGen allele CA2288203.